The following is an entry in ClinVar:

ClinVar aggregate classification (germline): Pathogenic (1 of 4 stars; one submission).

Submission:

GeneDx
Classification: Pathogenic. Last evaluated: 2022-10-05. Review status: criteria provided, single submitter. Criteria: GeneDx Variant Classification Process June 2021. Collection method: clinical testing. Allele origin: germline. Affected: yes.
Comment: Canonical splice site variant predicted to result in a null allele in a gene for which loss of function is a known mechanism of disease (Gu et al., 2022); Not observed at significant frequency in large population cohorts (gnomAD); This variant is associated with the following publications: (PMID: 34907111)

NM_003002.4(SDHD):c.314+3A>T

Gene: SDHD (succinate dehydrogenase complex subunit D; plus strand). Cytogenetic location: 11q23.1.
Variant type: single nucleotide variant.
Coding change: c.314+3A>T on transcript NM_003002.4 (MANE Select); 3 bases into the intron after coding-DNA position 314, A replaced by T.
Molecular consequence: intron variant.
Genome position (GRCh38, 1-based): chr11:112,089,014, A>T. VCF-style: chr11-112089014-A-T. GRCh37 (hg19) VCF-style: chr11-111959738-A-T.
Other names: c.314+3A>T (NM_001276506.2); c.169+1041A>T (NM_001276503.2); c.197+3A>T (NM_001276504.2).
Identifiers: ClinVar variation 2497774 (VCV002497774.1), dbSNP rs1555187084, ClinGen allele CA2580083493.
Genomic context (GRCh38, chr11:112,089,014, plus strand): 5'-ATCCTTGCTCTGCGATGGACTATTCCCTGGCTGCAGCCCTCACTCTTCATGGTCACTGGC[A>T]AGTATAGCAATTCCAAATATAGTTGTCTGCTCAGTTTGTTTGCTGTGAGCTTGTCTTATG-3'